The following is an entry in ClinVar:

ClinVar aggregate classification (germline): Likely benign. Review status: criteria provided, multiple submitters, no conflicts (2 of 4 stars). 3 submissions from 3 submitters: Likely benign (3). Last evaluated 2024-07-22.

Conditions:
X-linked severe congenital neutropenia (SCNX). Identifiers: Orphanet 86788, MedGen C1845987, MONDO:0010294, OMIM 300299.
Wiskott-Aldrich syndrome (WAS). Also called: ALDRICH SYNDROME; IMMUNODEFICIENCY 2; WISKOTT-ALDRICH SYNDROME 1; Wiskott-aldrich syndrome, somatic. Identifiers: Orphanet 906, MedGen C0043194, MONDO:0010518, OMIM 301000.
Thrombocytopenia 1. Also called: X-Linked Thrombocytopenia (XLT); X-linked thrombocytopenia with normal platelets; THROMBOCYTOPENIA, X-LINKED, 1. Identifiers: Orphanet 268322, Orphanet 852, MedGen C1839163, MONDO:0010743, OMIM 313900.

Allele frequency attached by ClinVar (database versions not stated): gnomAD exomes 0.00001; gnomAD 0.00002; TOPMed 0.00002.
gnomAD v4.1: 8 of 1,198,941 alleles (0.00067%); highest among the groups gnomAD compares: Middle Eastern, 0.046%; no homozygotes.

Submissions (3):

Blueprint Genetics
Classification: Likely benign. Last evaluated: 2024-07-22. Review status: criteria provided, single submitter. Criteria: ACMG Guidelines, 2015. Collection method: clinical testing. Allele origin: germline.

Labcorp Genetics (formerly Invitae), Labcorp
Classification: Likely benign for Wiskott-Aldrich syndrome; X-linked severe congenital neutropenia; Thrombocytopenia 1. Last evaluated: 2024-03-07. Review status: criteria provided, single submitter. Criteria: Invitae Variant Classification Sherloc (09022015). Collection method: clinical testing. Allele origin: germline.

Women's Health and Genetics/Laboratory Corporation of America, LabCorp
Classification: Likely benign. Last evaluated: 2023-10-27. Review status: criteria provided, single submitter. Criteria: LabCorp Variant Classification Summary - May 2015. Collection method: clinical testing. Allele origin: germline.
Comment: Variant summary: WAS c.273+15C>T alters a non-conserved nucleotide located at a position not widely known to affect splicing. Consensus agreement among computation tools predict no significant impact on normal splicing. However, these predictions have yet to be confirmed by functional studies. The variant allele was found at a frequency of 1.2e-05 in 161834 control chromosomes, including 1 hemizygous male (gnomAD). The available data on variant occurrences in the general population are insufficient to allow any conclusion about variant significance. To our knowledge, no occurrence of c.273+15C>T in individuals affected with Wiskott-Aldrich Syndrome and no experimental evidence demonstrating its impact on protein function have been reported. One submitter has cited a clinical-significance assessment for this variant to ClinVar after 2014 and has classified the variant as likely benign. Based on the evidence outlined above, the variant was classified as likely benign.

NM_000377.3(WAS):c.273+15C>T

Gene: WAS (WASP actin nucleation promoting factor; plus strand). Cytogenetic location: Xp11.23.
Variant type: single nucleotide variant.
Coding change: c.273+15C>T on transcript NM_000377.3 (MANE Select); 15 bases into the intron after coding-DNA position 273, C replaced by T.
Molecular consequence: intron variant.
Genome position (GRCh38, 1-based): chrX:48,684,438, C>T. VCF-style: chrX-48684438-C-T. GRCh37 (hg19) VCF-style: chrX-48542827-C-T.
Identifiers: ClinVar variation 1616093 (VCV001616093.10), dbSNP rs1286865928, ClinGen allele CA641510830.